The following is an entry in ClinVar:

NM_053013.4(ENO3):c.1180A>C (p.Lys394Gln)

Gene: ENO3 (enolase 3; plus strand). Cytogenetic location: 17p13.2.
Variant type: single nucleotide variant.
Coding change: c.1180A>C on transcript NM_053013.4 (MANE Select); coding-DNA position 1180, A replaced by C.
Protein change: p.Lys394Gln; replaces lysine 394 with glutamine.
Molecular consequence: missense variant.
Genome position (GRCh38, 1-based): chr17:4,956,834, A>C. VCF-style: chr17-4956834-A-C. GRCh37 (hg19) VCF-style: chr17-4860129-A-C.
Other names: c.1051A>C, p.Lys351Gln (NM_001193503.2); c.1180A>C, p.Lys394Gln (NM_001374523.1, NM_001976.5); c.1207A>C, p.Lys403Gln (NM_001374524.1); short protein forms K351Q, K403Q, K394Q.
Identifiers: ClinVar variation 843869 (VCV000843869.10), dbSNP rs1322216100, ClinGen allele CA397295599.

ClinVar aggregate classification (germline): Uncertain significance. Review status: criteria provided, multiple submitters, no conflicts (2 of 4 stars). 2 submissions from 2 submitters: Uncertain significance (2). Last evaluated 2025-08-13.

Conditions:
Inborn genetic diseases. Identifiers: MedGen C0950123, MeSH D030342.
Glycogen storage disease due to muscle beta-enolase deficiency (GSD13). Also called: ENOLASE 3 DEFICIENCY; ENOLASE-BETA DEFICIENCY; GSD XIII; Glycogen Storage Disease Type XIII. Identifiers: Orphanet 99849, MedGen C2752027, MONDO:0013046, OMIM 612932.

Allele frequency attached by ClinVar (database versions not stated): gnomAD 0.00001; gnomAD exomes 0.00001; TOPMed 0.00001.
gnomAD v4.1: 15 of 1,614,056 alleles (0.00093%); highest among the groups gnomAD compares: East Asian, 0.0022%; no homozygotes.

Submissions (2):

Ambry Genetics
Classification: Uncertain significance for Inborn genetic diseases. Last evaluated: 2025-08-13. Review status: criteria provided, single submitter. Criteria: Ambry Variant Classification Scheme 2023. Collection method: clinical testing. Allele origin: germline.

Labcorp Genetics (formerly Invitae), Labcorp
Classification: Uncertain significance for Glycogen storage disease due to muscle beta-enolase deficiency. Last evaluated: 2019-12-03. Review status: criteria provided, single submitter. Criteria: Invitae Variant Classification Sherloc (09022015). Collection method: clinical testing. Allele origin: germline.
Comment: In summary, the available evidence is currently insufficient to determine the role of this variant in disease. Therefore, it has been classified as a Variant of Uncertain Significance. Algorithms developed to predict the effect of missense changes on protein structure and function are either unavailable or do not agree on the potential impact of this missense change (SIFT: "Deleterious"; PolyPhen-2: "Probably Damaging"; Align-GVGD: "Class C0"). This variant has not been reported in the literature in individuals with ENO3-related conditions. This variant is not present in population databases (ExAC no frequency). This sequence change replaces lysine with glutamine at codon 394 of the ENO3 protein (p.Lys394Gln). The lysine residue is highly conserved and there is a small physicochemical difference between lysine and glutamine.